The following is an entry in ClinVar:

ClinVar aggregate classification (germline): Uncertain significance (1 of 4 stars; one submission).

Allele frequency attached by ClinVar (database versions not stated): TOPMed 0.00002.

Submission:

Labcorp Genetics (formerly Invitae), Labcorp
Classification: Uncertain significance. Last evaluated: 2021-08-12. Review status: criteria provided, single submitter. Criteria: Invitae Variant Classification Sherloc (09022015). Collection method: clinical testing. Allele origin: germline.
Comment: This variant is not present in population databases (ExAC no frequency). In summary, the available evidence is currently insufficient to determine the role of this variant in disease. Therefore, it has been classified as a Variant of Uncertain Significance. Algorithms developed to predict the effect of sequence changes on RNA splicing suggest that this variant may create or strengthen a splice site. Algorithms developed to predict the effect of missense changes on protein structure and function output the following: SIFT: "Tolerated"; PolyPhen-2: "Benign"; Align-GVGD: "Class C0". The arginine amino acid residue is found in multiple mammalian species, which suggests that this missense change does not adversely affect protein function. This variant has not been reported in the literature in individuals affected with CACNA1F-related conditions. This sequence change replaces lysine with arginine at codon 1176 of the CACNA1F protein (p.Lys1176Arg). The lysine residue is moderately conserved and there is a small physicochemical difference between lysine and arginine.

NM_001256789.3(CACNA1F):c.3494A>G (p.Lys1165Arg)

Gene: CACNA1F (calcium voltage-gated channel subunit alpha1 F; minus strand). Cytogenetic location: Xp11.23.
Variant type: single nucleotide variant.
Coding change: c.3494A>G on transcript NM_001256789.3 (MANE Select); coding-DNA position 3494, A replaced by G.
Protein change: p.Lys1165Arg; replaces lysine 1165 with arginine.
Molecular consequence: missense variant.
Genome position (GRCh38, 1-based): chrX:49,215,189, T>C on the plus strand (A>G on the coding strand, the complement: CACNA1F is on the minus strand). VCF-style: chrX-49215189-T-C. GRCh37 (hg19) VCF-style: chrX-49071649-T-C.
Other names: c.3332A>G, p.Lys1111Arg (NM_001256790.3); c.3527A>G, p.Lys1176Arg (NM_005183.4); short protein forms K1111R, K1165R, K1176R.
Identifiers: ClinVar variation 1353209 (VCV001353209.6), dbSNP rs2065698604, ClinGen allele CA412963242.